The following is an entry in ClinVar:

ClinVar aggregate classification (germline): Uncertain significance (1 of 4 stars; one submission).

Conditions:
Inborn genetic diseases. Identifiers: MedGen C0950123, MeSH D030342.

Submission:

Ambry Genetics
Classification: Uncertain significance for Inborn genetic diseases. Last evaluated: 2025-08-05. Review status: criteria provided, single submitter. Criteria: Ambry Variant Classification Scheme 2023. Collection method: clinical testing. Allele origin: germline.
Comment: The p.N338Y variant (also known as c.1012A>T), located in coding exon 1 of the SAMD9L gene, results from an A to T substitution at nucleotide position 1012. The asparagine at codon 338 is replaced by tyrosine, an amino acid with dissimilar properties. This amino acid position is conserved. In addition, this alteration is predicted to be tolerated by in silico analysis. Based on the available evidence, the clinical significance of this variant remains unclear.

NM_152703.5(SAMD9L):c.1012A>T (p.Asn338Tyr)

Gene: SAMD9L (sterile alpha motif domain containing 9 like; minus strand). Cytogenetic location: 7q21.2.
Variant type: single nucleotide variant.
Coding change: c.1012A>T on transcript NM_152703.5 (MANE Select); coding-DNA position 1012, A replaced by T.
Protein change: p.Asn338Tyr; replaces asparagine 338 with tyrosine.
Molecular consequence: missense variant.
Genome position (GRCh38, 1-based): chr7:93,134,960, T>A on the plus strand (A>T on the coding strand, the complement: SAMD9L is on the minus strand). VCF-style: chr7-93134960-T-A. GRCh37 (hg19) VCF-style: chr7-92764273-T-A.
Other names: c.1012A>T, p.Asn338Tyr (NM_001303496.3, NM_001303497.3, NM_001303498.3 and 5 more transcripts); short protein forms N338Y.
Identifiers: ClinVar variation 4159381 (VCV004159381.1).